The following is an entry in ClinVar:

NM_001367561.1(DOCK7):c.4583_4584delinsGG (p.Phe1528Trp)

Gene: DOCK7 (dedicator of cytokinesis 7; minus strand). Cytogenetic location: 1p31.3.
Variant type: Indel.
Coding change: c.4583_4584delinsGG on transcript NM_001367561.1 (MANE Select); coding-DNA positions 4583 to 4584, TT replaced by GG.
Protein change: p.Phe1528Trp; replaces phenylalanine 1528 with tryptophan.
Molecular consequence: missense variant.
Genome position (GRCh38, 1-based): chr1:62,505,709-62,505,710, AA replaced by CC on the plus strand (TT replaced by GG on the coding strand, the reverse complement: DOCK7 is on the minus strand). VCF-style: chr1-62505709-AA-CC. GRCh37 (hg19) VCF-style: chr1-62971380-AA-CC.
Other names: c.4556_4557delinsGG, p.Phe1519Trp (NM_001271999.2, NM_001330614.2); c.4463_4464delinsGG, p.Phe1488Trp (NM_001272000.2, NM_001272001.2); c.4490_4491delinsGG, p.Phe1497Trp (NM_033407.4); short protein forms F1488W, F1497W, F1519W, F1528W.
Identifiers: ClinVar variation 4057169 (VCV004057169.1).
Genomic context (GRCh38, chr1:62,505,709, plus strand): 5'-GTCTGACAACACTGCAGGTACAAAATAACCTACCTTTGAAACCAAGGCTCTCTGTGTAGC[AA>CC]AACAGTGTTGTAGATAAACTGCACTTTGGTTACAGGCCATGCTGTGTAGTAGCACTTTTA-3'
Protein context (NP_001354490.1, residues 1518-1538): NQSAVYLQHC[Phe1528Trp]ATQRALVSKF

ClinVar aggregate classification (germline): Uncertain significance (1 of 4 stars; one submission).

Submission:

GeneDx
Classification: Uncertain significance. Last evaluated: 2025-01-14. Review status: criteria provided, single submitter. Criteria: GeneDx Variant Classification Process June 2021. Collection method: clinical testing. Allele origin: germline. Affected: yes.
Comment: Not observed at significant frequency in large population cohorts (gnomAD); In silico analysis supports a deleterious effect on protein structure/function; Has not been previously published as pathogenic or benign to our knowledge